The following is an entry in ClinVar:

ClinVar aggregate classification (germline): Uncertain significance (1 of 4 stars; one submission).

gnomAD v4.1: 10 of 1,200,561 alleles (0.00083%); highest among the groups gnomAD compares: South Asian, 0.0072%; no homozygotes.

Submission:

Labcorp Genetics (formerly Invitae), Labcorp
Classification: Uncertain significance. Last evaluated: 2025-12-03. Review status: criteria provided, single submitter. Criteria: Invitae Variant Classification Sherloc (09022015). Collection method: clinical testing. Allele origin: germline.
Comment: This sequence change replaces alanine, which is neutral and non-polar, with valine, which is neutral and non-polar, at codon 127 of the POLA1 protein (p.Ala127Val). The frequency data for this variant in the population databases is considered unreliable, as metrics indicate poor data quality at this position in the gnomAD database. This variant has not been reported in the literature in individuals affected with POLA1-related conditions. Invitae Evidence Modeling of protein sequence and biophysical properties (such as structural, functional, and spatial information, amino acid conservation, physicochemical variation, residue mobility, and thermodynamic stability) indicates that this missense variant is not expected to disrupt POLA1 protein function with a negative predictive value of 80%. In summary, the available evidence is currently insufficient to determine the role of this variant in disease. Therefore, it has been classified as a Variant of Uncertain Significance.

NM_001330360.2(POLA1):c.398C>T (p.Ala133Val)

Gene: POLA1 (DNA polymerase alpha 1, catalytic subunit; plus strand). Cytogenetic location: Xp22.11.
Variant type: single nucleotide variant.
Coding change: c.398C>T on transcript NM_001330360.2 (MANE Select); coding-DNA position 398, C replaced by T.
Protein change: p.Ala133Val; replaces alanine 133 with valine.
Molecular consequence: missense variant. On other transcripts: non-coding transcript variant (2).
Genome position (GRCh38, 1-based): chrX:24,714,605, C>T. VCF-style: chrX-24714605-C-T. GRCh37 (hg19) VCF-style: chrX-24732722-C-T.
Other names: c.398C>T, p.Ala133Val (NM_001378303.1, NM_001440806.1); c.380C>T, p.Ala127Val (NM_016937.4); short protein forms A127V, A133V.
Identifiers: ClinVar variation 4766702 (VCV004766702.1).
Genomic context (GRCh38, chrX:24,714,605, plus strand): 5'-TTCCAATAGGAAAAGATGGTAAAGCACGCAATAAAGACAAGAGGAATGTAAAGAAGCTCG[C>T]AGTGACAAAACCGAACAACATTAAGTCAATGTTCATTGCTTGTGCTGGAAAGAAAACTGC-3'
Protein context (NP_001317289.1, residues 123-143): NKDKRNVKKL[Ala133Val]VTKPNNIKSM